The following is an entry in ClinVar:

ClinVar aggregate classification (germline): Uncertain significance (1 of 4 stars; one submission).

Allele frequency attached by ClinVar (database versions not stated): gnomAD exomes below 0.00001.

Submission:

GeneDx
Classification: Uncertain significance. Last evaluated: 2025-12-22. Review status: criteria provided, single submitter. Criteria: GeneDx Variant Classification Process June 2021. Collection method: clinical testing. Allele origin: germline. Affected: yes.
Comment: Reported in a patient with intellectual disability, developmental delay, saggital and bilateral lambdoid craniosynostosis, behavioral abnormalities, hypotonia, dental anomalies, feeding difficulties, leukemia, pancytopenia, and asthma in the published literature who also had a variant in another gene that may have been responsible for the phenotype (PMID: 39798569); In silico analysis supports that this missense variant has a deleterious effect on protein structure/function; Not observed at significant frequency in large population cohorts (gnomAD); This variant is associated with the following publications: (PMID: 39798569)

NM_018896.5(CACNA1G):c.2479G>C (p.Gly827Arg)

Gene: CACNA1G (calcium voltage-gated channel subunit alpha1 G; plus strand). Cytogenetic location: 17q21.33.
Variant type: single nucleotide variant.
Coding change: c.2479G>C on transcript NM_018896.5 (MANE Select); coding-DNA position 2479, G replaced by C.
Protein change: p.Gly827Arg; replaces glycine 827 with arginine.
Molecular consequence: missense variant. On other transcripts: non-coding transcript variant (5).
Genome position (GRCh38, 1-based): chr17:50,591,460, G>C. VCF-style: chr17-50591460-G-C. GRCh37 (hg19) VCF-style: chr17-48668821-G-C.
Other names: c.2479G>C, p.Gly827Arg (NM_001256330.2, NM_001256331.2, NM_001256332.2 and 24 more transcripts); short protein forms G827R.
Identifiers: ClinVar variation 1327745 (VCV001327745.3), dbSNP rs1225281974, ClinGen allele CA400248213.
Genomic context (GRCh38, chr17:50,591,460, plus strand): 5'-GTGCAGGGGGCTCAGGCTGCCTGCCCCCTTTGCAGCGTGTGGGAGATCGTGGGCCAGCAG[G>C]GGGGCGGCCTGTCGGTGCTGCGGACCTTCCGCCTGATGCGTGTGCTGAAGCTGGTGCGCT-3'
Protein context (NP_061496.2, residues 817-837): ISVWEIVGQQ[Gly827Arg]GGLSVLRTFR